The following is an entry in ClinVar:

NM_002382.5(MAX):c.36+9T>C

Genes: MAX (MYC associated transcriptional regulator X; minus strand), LOC130055850 (ATAC-STARR-seq lymphoblastoid silent region 5847; plus strand). Cytogenetic location: 14q23.3.
Variant type: single nucleotide variant.
Coding change: c.36+9T>C on transcript NM_002382.5 (MANE Select); 9 bases into the intron after coding-DNA position 36, T replaced by C.
Molecular consequence: intron variant.
Genome position (GRCh38, 1-based): chr14:65,102,295, A>G on the plus strand (T>C on the coding strand, the complement: MAX is on the minus strand). VCF-style: chr14-65102295-A-G. GRCh37 (hg19) VCF-style: chr14-65569013-A-G.
Other names: c.36+9T>C (NM_001271069.2, NM_197957.4, NM_145112.3 and 3 more transcripts); c.-239+9T>C (NM_001320415.2).
Identifiers: ClinVar variation 532537 (VCV000532537.14), dbSNP rs774467253, ClinGen allele CA262729162.

ClinVar aggregate classification (germline): Likely benign. Review status: criteria provided, multiple submitters, no conflicts (2 of 4 stars). 3 submissions from 3 submitters: Likely benign (3). Last evaluated 2026-06-05.

Conditions:
Hereditary pheochromocytoma and paraganglioma. Also called: Hereditary paragangliomas and pheochromocytomas; Hereditary pheochromocytoma-paraganglioma; Hereditary Paraganglioma-Pheochromocytoma Syndromes. Identifiers: Orphanet 29072, MedGen C4274332, MONDO:0017366.
Pheochromocytoma. Also called: MAX-Related Hereditary Paraganglioma-Pheochromocytoma Syndrome. Identifiers: Orphanet 29072, MedGen C0031511, MONDO:0008233, OMIM 171300, HP:0002666.

Allele frequency attached by ClinVar (database versions not stated): TOPMed below 0.00001.
gnomAD v4.1: 19 of 1,613,662 alleles (0.0012%); highest among the groups gnomAD compares: Non-Finnish European, 0.0016%; no homozygotes.

Submissions (3):

Myriad Genetics, Inc.
Classification: Likely benign for Pheochromocytoma. Last evaluated: 2026-06-05. Review status: criteria provided, single submitter. Criteria: Myriad Autosomal Dominant, Autosomal Recessive and X-Linked Classification Criteria (2023). Collection method: clinical testing. Allele origin: unknown.
Comment: This variant is considered likely benign. This variant is intronic and is not expected to impact mRNA splicing.

Labcorp Genetics (formerly Invitae), Labcorp
Classification: Likely benign for Hereditary pheochromocytoma and paraganglioma. Last evaluated: 2025-11-17. Review status: criteria provided, single submitter. Criteria: Invitae Variant Classification Sherloc (09022015). Collection method: clinical testing. Allele origin: germline.

Blueprint Genetics
Classification: Likely benign. Last evaluated: 2024-10-14. Review status: criteria provided, single submitter. Criteria: ACMG Guidelines, 2015. Collection method: clinical testing. Allele origin: germline.